The following is an entry in ClinVar:

NM_004247.4(EFTUD2):c.1554del (p.Asp518fs)

Gene: EFTUD2 (elongation factor Tu GTP binding domain containing 2; minus strand). Cytogenetic location: 17q21.31.
Variant type: Deletion.
Coding change: c.1554del on transcript NM_004247.4 (MANE Select); coding-DNA position 1554, one base deleted (T; older notation c.1554delT).
Protein change: p.Asp518fs; shifts the reading frame from aspartic acid 518.
Molecular consequence: frameshift variant.
Genome position (GRCh38, 1-based): chr17:44,862,766, A deleted on the plus strand (T on the coding strand, the reverse complement: EFTUD2 is on the minus strand). VCF-style (leftmost placement, unchanged base first): chr17-44862765-CA-C. GRCh37 (hg19) VCF-style: chr17-42940133-CA-C.
Other names: c.1449del, p.Asp483fs (NM_001142605.2); c.1554del, p.Asp518fs (NM_001258353.2); c.1524del, p.Asp508fs (NM_001258354.2); short protein forms D483fs, D508fs, D518fs.
Identifiers: ClinVar variation 985839 (VCV000985839.4), dbSNP rs2050680680, ClinGen allele CA1139665642.

ClinVar aggregate classification (germline): Pathogenic (1 of 4 stars; one submission).

Conditions:
Inborn genetic diseases. Identifiers: MedGen C0950123, MeSH D030342.

Submission:

Ambry Genetics
Classification: Pathogenic for Inborn genetic diseases. Last evaluated: 2020-04-07. Review status: criteria provided, single submitter. Criteria: Ambry Variant Classification Scheme 2023. Collection method: clinical testing. Allele origin: germline.
Comment: The alteration results in a premature stop codon: _x000D_ _x000D_ The c.1554delT (p.D518Efs*24) alteration, located in exon 16 (coding exon 15) of the EFTUD2 gene, results from a deletion of one nucleotide at position 1554, causing a translational frameshift with a predicted alternate stop codon after 24 amino acids. This alteration is expected to result in loss of function by premature protein truncation or nonsense-mediated mRNA decay. The alteration is not observed in population databases: _x000D_ _x000D_ Based on data from the Genome Aggregation Database (gnomAD), the EFTUD2 c.1554delT alteration was not observed, with coverage at this position. Based on the available evidence, this alteration is classified as pathogenic.